The following is an entry in ClinVar:

ClinVar aggregate classification (germline): Uncertain significance (1 of 4 stars; one submission).

gnomAD v4.1: 1 of 1,608,874 alleles (0.000062%); highest among the groups gnomAD compares: Non-Finnish European, 0.000085%; no homozygotes.

Submission:

Labcorp Genetics (formerly Invitae), Labcorp
Classification: Uncertain significance. Last evaluated: 2024-06-19. Review status: criteria provided, single submitter. Criteria: Invitae Variant Classification Sherloc (09022015). Collection method: clinical testing. Allele origin: germline.
Comment: This sequence change replaces leucine, which is neutral and non-polar, with proline, which is neutral and non-polar, at codon 1604 of the FOCAD protein (p.Leu1604Pro). This variant is not present in population databases (gnomAD no frequency). This variant has not been reported in the literature in individuals affected with FOCAD-related conditions. Experimental studies and prediction algorithms are not available or were not evaluated, and the functional significance of this variant is currently unknown. In summary, the available evidence is currently insufficient to determine the role of this variant in disease. Therefore, it has been classified as a Variant of Uncertain Significance.

NM_001375567.1(FOCAD):c.4811T>C (p.Leu1604Pro)

Gene: FOCAD (focadhesin; plus strand). Cytogenetic location: 9p21.3.
Variant type: single nucleotide variant.
Coding change: c.4811T>C on transcript NM_001375567.1 (MANE Select); coding-DNA position 4811, T replaced by C.
Protein change: p.Leu1604Pro; replaces leucine 1604 with proline.
Molecular consequence: missense variant.
Genome position (GRCh38, 1-based): chr9:20,986,370, T>C. VCF-style: chr9-20986370-T-C. GRCh37 (hg19) VCF-style: chr9-20986369-T-C.
Other names: c.4706T>C, p.Leu1569Pro (NM_001375568.1, NM_001375570.1); c.4811T>C, p.Leu1604Pro (NM_017794.5); short protein forms L1569P, L1604P.
Identifiers: ClinVar variation 3657032 (VCV003657032.2).
Genomic context (GRCh38, chr9:20,986,370, plus strand): 5'-TTGTCAAACTGTACTTAGTCTCTCAAGGACGATTCCCCTTGGTGAACCTGACCGATATGC[T>C]GAGCGTTGCTGTGCAGCACCGTGAGAAAGAGGTGTTGGCCTGGATGATTCTGCACAGCTT-3'
Protein context (NP_001362496.1, residues 1594-1614): RFPLVNLTDM[Leu1604Pro]SVAVQHREKE